The following is an entry in ClinVar:

NM_000057.4(BLM):c.1237_1240del (p.Thr412_Glu413insTer)

Gene: BLM (BLM RecQ like helicase; plus strand). Cytogenetic location: 15q26.1.
Variant type: Deletion.
Coding change: c.1237_1240del on transcript NM_000057.4 (MANE Select); coding-DNA positions 1237 to 1240, 4 bases deleted (GAAG; older notation c.1237_1240delGAAG).
Protein change: p.Thr412_Glu413insTer.
Molecular consequence: nonsense.
Genome position (GRCh38, 1-based): chr15:90,760,610-90,760,613, GAAG deleted; deleting any 4 consecutive bases within chr15:90,760,609-90,760,613 gives the same sequence; the c. name uses the placement nearest the transcript's 3' end. VCF-style (leftmost placement, unchanged base first): chr15-90760608-CGGAA-C. GRCh37 (hg19) VCF-style: chr15-91303838-CGGAA-C.
Other names: c.1237_1240del, p.Thr412_Glu413insTer (NM_001287247.2, NM_001287246.2); c.112_115del, p.Thr37_Glu38insTer (NM_001287248.2).
Identifiers: ClinVar variation 2031559 (VCV002031559.5), dbSNP rs2505423950, ClinGen allele CA2580090253.

ClinVar aggregate classification (germline): Pathogenic/Likely pathogenic. Review status: criteria provided, multiple submitters, no conflicts (2 of 4 stars). 2 submissions from 2 submitters: Pathogenic (1); Likely pathogenic (1). Last evaluated 2024-11-26.

Conditions:
Bloom syndrome (BLM). Also called: Bloom-Torre-Machacek syndrome. Identifiers: Orphanet 125, MedGen C0005859, MONDO:0008876, OMIM 210900.
BLM-related disorder. Also called: BLM-related condition.

Submissions (2):

Blueprint Genetics
Classification: Likely pathogenic for BLM-related disorders. Last evaluated: 2024-11-26. Review status: criteria provided, single submitter. Criteria: ACMG Guidelines, 2015. Collection method: clinical testing. Allele origin: germline. Affected: yes. Observed: 1 variant allele.

Labcorp Genetics (formerly Invitae), Labcorp
Classification: Pathogenic for Bloom syndrome. Last evaluated: 2023-05-09. Review status: criteria provided, single submitter. Criteria: Invitae Variant Classification Sherloc (09022015). Collection method: clinical testing. Allele origin: germline.
Comment: This variant is not present in population databases (gnomAD no frequency). For these reasons, this variant has been classified as Pathogenic. ClinVar contains an entry for this variant (Variation ID: 2031559). This variant has not been reported in the literature in individuals affected with BLM-related conditions. This sequence change creates a premature translational stop signal (p.Glu413*) in the BLM gene. It is expected to result in an absent or disrupted protein product. Loss-of-function variants in BLM are known to be pathogenic (PMID: 17407155).

Literature cited by the submitters: PubMed 17407155 (cited by Labcorp Genetics (formerly Invitae), Labcorp).